The following is an entry in ClinVar:

ClinVar aggregate classification (germline): Uncertain significance (1 of 4 stars; one submission).

Conditions:
Singleton-Merten syndrome 1 (SGMRT1). Also called: Syndrome of widened medullary cavities of the metacarpals and phalanges, aortic calcification and abnormal dentition; Widened medullary cavities of bone, aortic calcification, abnormal dentition, and muscular weakness. Identifiers: Orphanet 85191, MedGen C4225427, MONDO:0024535, OMIM 182250.
Aicardi-Goutieres syndrome 7 (AGS7). Identifiers: Orphanet 51, MedGen C3888244, MONDO:0014367, OMIM 615846.

Allele frequency attached by ClinVar (database versions not stated): gnomAD exomes below 0.00001.

Submission:

Labcorp Genetics (formerly Invitae), Labcorp
Classification: Uncertain significance for Aicardi-Goutieres syndrome 7; Singleton-Merten syndrome 1. Last evaluated: 2024-02-01. Review status: criteria provided, single submitter. Criteria: Invitae Variant Classification Sherloc (09022015). Collection method: clinical testing. Allele origin: germline.
Comment: This sequence change replaces leucine, which is neutral and non-polar, with valine, which is neutral and non-polar, at codon 626 of the IFIH1 protein (p.Leu626Val). This variant is not present in population databases (gnomAD no frequency). This variant has not been reported in the literature in individuals affected with IFIH1-related conditions. Advanced modeling of protein sequence and biophysical properties (such as structural, functional, and spatial information, amino acid conservation, physicochemical variation, residue mobility, and thermodynamic stability) has been performed at Invitae for this missense variant, however the output from this modeling did not meet the statistical confidence thresholds required to predict the impact of this variant on IFIH1 protein function. In summary, the available evidence is currently insufficient to determine the role of this variant in disease. Therefore, it has been classified as a Variant of Uncertain Significance.

NM_022168.4(IFIH1):c.1876C>G (p.Leu626Val)

Gene: IFIH1 (interferon induced with helicase C domain 1; minus strand). Cytogenetic location: 2q24.2.
Variant type: single nucleotide variant.
Coding change: c.1876C>G on transcript NM_022168.4 (MANE Select); coding-DNA position 1876, C replaced by G.
Protein change: p.Leu626Val; replaces leucine 626 with valine.
Molecular consequence: missense variant.
Genome position (GRCh38, 1-based): chr2:162,277,583, G>C on the plus strand (C>G on the coding strand, the complement: IFIH1 is on the minus strand). VCF-style: chr2-162277583-G-C. GRCh37 (hg19) VCF-style: chr2-163134093-G-C.
Other names: short protein forms L626V.
Identifiers: ClinVar variation 2922483 (VCV002922483.3), dbSNP rs1682720019, ClinGen allele CA348999354.